The following is an entry in ClinVar:

ClinVar aggregate classification (germline): Likely benign. Review status: criteria provided, multiple submitters, no conflicts (2 of 4 stars). 2 submissions from 2 submitters: Likely benign (2). Last evaluated 2025-01-12.

Conditions:
Familial focal epilepsy with variable foci (FPEVF). Identifiers: Orphanet 98820, MedGen C1858477, MONDO:0020310.

Allele frequency attached by ClinVar (database versions not stated): gnomAD exomes 0.00001; ExAC 0.00002; gnomAD 0.00004; TOPMed 0.00006; ESP Exome Variant Server 0.00008.
gnomAD v4.1: 24 of 1,610,550 alleles (0.0015%); highest among the groups gnomAD compares: African/African-American, 0.012%; no homozygotes.

Submissions (2):

Labcorp Genetics (formerly Invitae), Labcorp
Classification: Likely benign for Familial focal epilepsy with variable foci. Last evaluated: 2025-01-12. Review status: criteria provided, single submitter. Criteria: Invitae Variant Classification Sherloc (09022015). Collection method: clinical testing. Allele origin: germline.

CeGaT Center for Human Genetics Tuebingen
Classification: Likely benign. Last evaluated: 2023-12-01. Review status: criteria provided, single submitter. Criteria: CeGaT Center For Human Genetics Tuebingen Variant Classification Criteria Version 2. Collection method: clinical testing. Allele origin: germline. Affected: yes. Observed: 1 variant allele.
Comment: DEPDC5: BP4, BP7

NM_001242896.3(DEPDC5):c.3624G>A (p.Ala1208=)

Gene: DEPDC5 (DEP domain containing 5, GATOR1 subcomplex subunit; plus strand). Cytogenetic location: 22q12.3.
Variant type: single nucleotide variant.
Coding change: c.3624G>A on transcript NM_001242896.3 (MANE Select); coding-DNA position 3624, G replaced by A.
Protein change: p.Ala1208=; no amino-acid change (alanine 1208 retained).
Molecular consequence: synonymous variant. On other transcripts: non-coding transcript variant (4).
Genome position (GRCh38, 1-based): chr22:31,874,333, G>A. VCF-style: chr22-31874333-G-A. GRCh37 (hg19) VCF-style: chr22-32270319-G-A.
Other names: c.3597G>A, p.Ala1199= (NM_001136029.4); c.3324G>A, p.Ala1108= (NM_001242897.2); c.3558G>A, p.Ala1186= (NM_001363852.2, NM_001364320.2); c.3390G>A, p.Ala1130= (NM_001363854.2, NM_001364319.2); c.3624G>A, p.Ala1208= (NM_001364318.2); c.3540G>A, p.Ala1180= (NM_001369901.1, NM_001369902.1); c.3531G>A, p.Ala1177= (NM_001369903.1, NM_014662.6).
Identifiers: ClinVar variation 1058099 (VCV001058099.31), dbSNP rs367828073, ClinGen allele CA10197047.